The following is an entry in ClinVar:

ClinVar aggregate classification (germline): Uncertain significance (1 of 4 stars; one submission).

Submission:

GeneDx
Classification: Uncertain significance. Last evaluated: 2024-02-26. Review status: criteria provided, single submitter. Criteria: GeneDx Variant Classification Process June 2021. Collection method: clinical testing. Allele origin: germline. Affected: yes.
Comment: Not observed at significant frequency in large population cohorts (gnomAD); Has not been previously published as pathogenic or benign to our knowledge; Alters the Kozak sequence, which plays a major role in the initiation of translation

NM_144997.7(FLCN):c.-6G>A

Gene: FLCN (folliculin; minus strand). Cytogenetic location: 17p11.2.
Variant type: single nucleotide variant.
Coding change: c.-6G>A on transcript NM_144997.7 (MANE Select); 6 bases upstream of the start codon, G replaced by A.
Molecular consequence: 5 prime UTR variant.
Genome position (GRCh38, 1-based): chr17:17,228,143, C>T on the plus strand (G>A on the coding strand, the complement: FLCN is on the minus strand). VCF-style: chr17-17228143-C-T. GRCh37 (hg19) VCF-style: chr17-17131457-C-T.
Other names: c.-6G>A (NM_001353229.2, NM_001353230.2, NM_001353231.2 and 1 more transcripts).
Identifiers: ClinVar variation 3369829 (VCV003369829.1).